The following is an entry in ClinVar:

ClinVar aggregate classification (germline): Uncertain significance (1 of 4 stars; one submission).

Conditions:
Idiopathic generalized epilepsy. Also called: EIG; Generalised epilepsy. Identifiers: MedGen C0270850, MONDO:0005579, OMIM 600669.
Hyperaldosteronism, familial, type IV (HALD4). Also called: FH IV; ALDOSTERONISM, PRIMARY, AND HYPERTENSION. Identifiers: Orphanet 642671, MedGen C4310756, MONDO:0014875, OMIM 617027.

gnomAD v4.1: 1 of 1,612,492 alleles (0.000062%); highest among the groups gnomAD compares: African/African-American, 0.0013%; no homozygotes.

Submission:

Labcorp Genetics (formerly Invitae), Labcorp
Classification: Uncertain significance for Idiopathic generalized epilepsy; Hyperaldosteronism, familial, type IV. Last evaluated: 2023-01-05. Review status: criteria provided, single submitter. Criteria: Invitae Variant Classification Sherloc (09022015). Collection method: clinical testing. Allele origin: germline.
Comment: This variant has not been reported in the literature in individuals affected with CACNA1H-related conditions. This variant is not present in population databases (gnomAD no frequency). This sequence change replaces glutamic acid, which is acidic and polar, with aspartic acid, which is acidic and polar, at codon 2304 of the CACNA1H protein (p.Glu2304Asp). Advanced modeling of protein sequence and biophysical properties (such as structural, functional, and spatial information, amino acid conservation, physicochemical variation, residue mobility, and thermodynamic stability) performed at Invitae indicates that this missense variant is not expected to disrupt CACNA1H protein function. In summary, the available evidence is currently insufficient to determine the role of this variant in disease. Therefore, it has been classified as a Variant of Uncertain Significance.

NM_021098.3(CACNA1H):c.6912A>C (p.Glu2304Asp)

Gene: CACNA1H (calcium voltage-gated channel subunit alpha1 H; plus strand). Cytogenetic location: 16p13.3.
Variant type: single nucleotide variant.
Coding change: c.6912A>C on transcript NM_021098.3 (MANE Select); coding-DNA position 6912, A replaced by C.
Protein change: p.Glu2304Asp; replaces glutamic acid 2304 with aspartic acid.
Molecular consequence: missense variant.
Genome position (GRCh38, 1-based): chr16:1,220,844, A>C. VCF-style: chr16-1220844-A-C. GRCh37 (hg19) VCF-style: chr16-1270844-A-C.
Other names: c.6894A>C, p.Glu2298Asp (NM_001005407.2); short protein forms E2304D, E2298D.
Identifiers: ClinVar variation 2936236 (VCV002936236.3), dbSNP rs1970429998, ClinGen allele CA394151227.